The following is an entry in ClinVar:

ClinVar aggregate classification (germline): Uncertain significance (1 of 4 stars; one submission).

Submission:

GeneDx
Classification: Uncertain significance. Last evaluated: 2025-01-10. Review status: criteria provided, single submitter. Criteria: GeneDx Variant Classification Process June 2021. Collection method: clinical testing. Allele origin: germline. Affected: yes.
Comment: Not observed at significant frequency in large population cohorts (gnomAD); In silico analysis indicates that this missense variant does not alter protein structure/function; Has not been previously published as pathogenic or benign to our knowledge.

NM_001148.6(ANK2):c.10034A>G (p.Lys3345Arg)

Gene: ANK2 (ankyrin 2; plus strand). Cytogenetic location: 4q26.
Variant type: single nucleotide variant.
Coding change: c.10034A>G on transcript NM_001148.6 (MANE Select); coding-DNA position 10034, A replaced by G.
Protein change: p.Lys3345Arg; replaces lysine 3345 with arginine.
Molecular consequence: missense variant. On other transcripts: intron variant (68).
Genome position (GRCh38, 1-based): chr4:113,358,652, A>G. VCF-style: chr4-113358652-A-G. GRCh37 (hg19) VCF-style: chr4-114279808-A-G.
Other names: c.9800A>G, p.Lys3267Arg (NM_001386142.1); c.6434A>G, p.Lys2145Arg (NM_001386166.1); c.10175A>G, p.Lys3392Arg (NM_001386174.1); c.10151A>G, p.Lys3384Arg (NM_001386175.1); c.4412-2171A>G (NM_001386186.2, NM_001386148.2); c.4214-2171A>G (NM_001354269.3); c.4292-2171A>G (NM_001386187.2); c.4253-2171A>G (NM_001386147.1); and 35 more; short protein forms K2145R, K3267R, K3345R, K3384R, K3392R.
Identifiers: ClinVar variation 4057045 (VCV004057045.1).